The following is an entry in ClinVar:

ClinVar aggregate classification (germline): Uncertain significance. Review status: criteria provided, multiple submitters, no conflicts (2 of 4 stars). 2 submissions from 2 submitters: Uncertain significance (2). Last evaluated 2025-03-25.

Conditions:
Inborn genetic diseases. Identifiers: MedGen C0950123, MeSH D030342.

gnomAD v4.1: 1 of 1,613,036 alleles (0.000062%); highest among the groups gnomAD compares: African/African-American, 0.0013%; no homozygotes.

Submissions (2):

Ambry Genetics
Classification: Uncertain significance for Inborn genetic diseases. Last evaluated: 2025-03-25. Review status: criteria provided, single submitter. Criteria: Ambry Variant Classification Scheme 2023. Collection method: clinical testing. Allele origin: germline.
Comment: The p.G626E variant (also known as c.1877G>A), located in coding exon 13 of the ASXL1 gene, results from a G to A substitution at nucleotide position 1877. The glycine at codon 626 is replaced by glutamic acid, an amino acid with similar properties. This amino acid position is conserved. In addition, the in silico prediction for this alteration is inconclusive. Based on the available evidence, the clinical significance of this variant remains unclear.

Labcorp Genetics (formerly Invitae), Labcorp
Classification: Uncertain significance. Last evaluated: 2024-05-24. Review status: criteria provided, single submitter. Criteria: Invitae Variant Classification Sherloc (09022015). Collection method: clinical testing. Allele origin: germline.
Comment: This sequence change replaces glycine, which is neutral and non-polar, with glutamic acid, which is acidic and polar, at codon 626 of the ASXL1 protein (p.Gly626Glu). This variant is not present in population databases (gnomAD no frequency). This variant has not been reported in the literature in individuals affected with ASXL1-related conditions. An algorithm developed to predict the effect of missense changes on protein structure and function (PolyPhen-2) suggests that this variant is likely to be disruptive. In summary, the available evidence is currently insufficient to determine the role of this variant in disease. Therefore, it has been classified as a Variant of Uncertain Significance.

NM_015338.6(ASXL1):c.1877G>A (p.Gly626Glu)

Gene: ASXL1 (ASXL transcriptional regulator 1; plus strand). Cytogenetic location: 20q11.21.
Variant type: single nucleotide variant.
Coding change: c.1877G>A on transcript NM_015338.6 (MANE Select); coding-DNA position 1877, G replaced by A.
Protein change: p.Gly626Glu; replaces glycine 626 with glutamic acid.
Molecular consequence: missense variant.
Genome position (GRCh38, 1-based): chr20:32,434,589, G>A. VCF-style: chr20-32434589-G-A. GRCh37 (hg19) VCF-style: chr20-31022392-G-A.
Other names: c.1694G>A, p.Gly565Glu (NM_001363734.1); short protein forms G565E, G626E.
Identifiers: ClinVar variation 3652799 (VCV003652799.3).